The following is an entry in ClinVar:

ClinVar aggregate classification (germline): Uncertain significance (1 of 4 stars; one submission).

Submission:

Labcorp Genetics (formerly Invitae), Labcorp
Classification: Uncertain significance. Last evaluated: 2024-12-30. Review status: criteria provided, single submitter. Criteria: Invitae Variant Classification Sherloc (09022015). Collection method: clinical testing. Allele origin: germline.
Comment: This sequence change affects codon 21 of the OR2W3 mRNA. It is a 'silent' change, meaning that it does not change the encoded amino acid sequence of the OR2W3 protein. This variant is not present in population databases (gnomAD no frequency). This variant has not been reported in the literature in individuals affected with OR2W3-related conditions. In summary, the available evidence is currently insufficient to determine the role of this variant in disease. Therefore, it has been classified as a Variant of Uncertain Significance.

NM_001001957.2(OR2W3):c.63C>A (p.Pro21=)

Gene: OR2W3 (olfactory receptor family 2 subfamily W member 3; plus strand). Cytogenetic location: 1q44.
Variant type: single nucleotide variant.
Coding change: c.63C>A on transcript NM_001001957.2 (MANE Select); coding-DNA position 63, C replaced by A.
Protein change: p.Pro21=; no amino-acid change (proline 21 retained).
Molecular consequence: synonymous variant.
Genome position (GRCh38, 1-based): chr1:247,895,649, C>A. VCF-style: chr1-247895649-C-A. GRCh37 (hg19) VCF-style: chr1-248058951-C-A.
Identifiers: ClinVar variation 3728297 (VCV003728297.2).
Genomic context (GRCh38, chr1:247,895,649, plus strand): 5'-GGATGGAACCAATGGCAGCACCCAAACCCATTTCATCCTACTGGGATTCTCTGACCGACC[C>A]CATCTGGAGAGGATCCTCTTTGTGGTCATCCTGATCGCGTACCTCCTGACCCTCGTAGGC-3'
Protein context (NP_001001957.2, residues 11-31): HFILLGFSDR[Pro21=]HLERILFVVI